The following is an entry in ClinVar:

NM_003906.5(MCM3AP):c.457G>A (p.Val153Met)

Gene: MCM3AP (minichromosome maintenance complex component 3 associated protein; minus strand). Cytogenetic location: 21q22.3.
Variant type: single nucleotide variant.
Coding change: c.457G>A on transcript NM_003906.5 (MANE Select); coding-DNA position 457, G replaced by A.
Protein change: p.Val153Met; replaces valine 153 with methionine.
Molecular consequence: missense variant.
Genome position (GRCh38, 1-based): chr21:46,284,830, C>T on the plus strand (G>A on the coding strand, the complement: MCM3AP is on the minus strand). VCF-style: chr21-46284830-C-T. GRCh37 (hg19) VCF-style: chr21-47704744-C-T.
Other names: short protein forms V153M.
Identifiers: ClinVar variation 3687887 (VCV003687887.2).

ClinVar aggregate classification (germline): Uncertain significance (1 of 4 stars; one submission).

Submission:

Labcorp Genetics (formerly Invitae), Labcorp
Classification: Uncertain significance. Last evaluated: 2025-12-22. Review status: criteria provided, single submitter. Criteria: Invitae Variant Classification Sherloc (09022015). Collection method: clinical testing. Allele origin: germline.
Comment: This sequence change replaces valine, which is neutral and non-polar, with methionine, which is neutral and non-polar, at codon 153 of the MCM3AP protein (p.Val153Met). This variant is not present in population databases (gnomAD no frequency). This variant has not been reported in the literature in individuals affected with MCM3AP-related conditions. ClinVar contains an entry for this variant (Variation ID: 3687887). An algorithm developed to predict the effect of missense changes on protein structure and function outputs the following: PolyPhen-2: "Benign". The methionine amino acid residue is found in multiple mammalian species, which suggests that this missense change does not adversely affect protein function. In summary, the available evidence is currently insufficient to determine the role of this variant in disease. Therefore, it has been classified as a Variant of Uncertain Significance.